The following is an entry in ClinVar:

NM_001165963.4(SCN1A):c.3706-2A>G

Genes: SCN1A (sodium voltage-gated channel alpha subunit 1; minus strand), LOC102724058 (uncharacterized LOC102724058; plus strand). Cytogenetic location: 2q24.3.
Variant type: single nucleotide variant.
Coding change: c.3706-2A>G on transcript NM_001165963.4 (MANE Select); the canonical splice acceptor site of the intron before coding-DNA position 3706, A replaced by G.
Molecular consequence: splice acceptor variant.
Genome position (GRCh38, 1-based): chr2:166,012,284, T>C on the plus strand (A>G on the coding strand, the complement: SCN1A is on the minus strand). VCF-style: chr2-166012284-T-C. GRCh37 (hg19) VCF-style: chr2-166868794-T-C.
Other names: c.3673-2A>G (NM_001353949.2, NM_001353950.2, NM_001353951.2 and 2 more transcripts); c.3622-2A>G (NM_001353958.2, NM_001353957.2, NM_001165964.3); c.3706-2A>G (NM_001202435.3, NM_001353948.2); c.3670-2A>G (NM_001353955.2, NM_001353954.2); c.3619-2A>G (NM_001353960.2); c.1264-2A>G (NM_001353961.2).
Identifiers: ClinVar variation 2203186 (VCV002203186.4), dbSNP rs1692586274, ClinGen allele CA349054712.

ClinVar aggregate classification (germline): Pathogenic (1 of 4 stars; one submission).

Conditions:
Early-infantile DEE. Also called: Early infantile epileptic encephalopathy with suppression bursts; Early infantile epileptic encephalopathy; Ohtahara syndrome. Identifiers: Orphanet 1934, MedGen C0393706, MONDO:0800491.

Submission:

Labcorp Genetics (formerly Invitae), Labcorp
Classification: Pathogenic for Early-infantile DEE. Last evaluated: 2024-01-10. Review status: criteria provided, single submitter. Criteria: Invitae Variant Classification Sherloc (09022015). Collection method: clinical testing. Allele origin: germline.
Comment: This sequence change affects an acceptor splice site in intron 18 of the SCN1A gene. It is expected to disrupt RNA splicing. Variants that disrupt the donor or acceptor splice site typically lead to a loss of protein function (PMID: 16199547), and loss-of-function variants in SCN1A are known to be pathogenic (PMID: 17347258, 18930999). This variant is not present in population databases (gnomAD no frequency). Disruption of this splice site has been observed in individual(s) with clinical features of Dravet syndrome (PMID: 19763161, 26990884). ClinVar contains an entry for this variant (Variation ID: 2203186). Algorithms developed to predict the effect of sequence changes on RNA splicing suggest that this variant may disrupt the consensus splice site. For these reasons, this variant has been classified as Pathogenic.

Literature cited by the submitters: PubMed 16199547; PubMed 17347258; PubMed 18930999; PubMed 19763161; PubMed 26990884.